The following is an entry in ClinVar:

NM_007126.5(VCP):c.1809G>C (p.Gln603His)

Gene: VCP (valosin containing protein; minus strand). Cytogenetic location: 9p13.3.
Variant type: single nucleotide variant.
Coding change: c.1809G>C on transcript NM_007126.5 (MANE Select); coding-DNA position 1809, G replaced by C.
Protein change: p.Gln603His; replaces glutamine 603 with histidine.
Molecular consequence: missense variant.
Genome position (GRCh38, 1-based): chr9:35,059,688, C>G on the plus strand (G>C on the coding strand, the complement: VCP is on the minus strand). VCF-style: chr9-35059688-C-G. GRCh37 (hg19) VCF-style: chr9-35059685-C-G.
Other names: c.1674G>C, p.Gln558His (NM_001354927.2, NM_001354928.2); short protein forms Q558H, Q603H.
Identifiers: ClinVar variation 1311312 (VCV001311312.2), dbSNP rs2131029448, ClinGen allele CA373276197.

ClinVar aggregate classification (germline): Uncertain significance (1 of 4 stars; one submission).

Submission:

GeneDx
Classification: Uncertain significance. Last evaluated: 2019-09-10. Review status: criteria provided, single submitter. Criteria: GeneDx Variant Classification Process June 2021. Collection method: clinical testing. Allele origin: germline. Affected: yes.
Comment: Not observed in large population cohorts (Lek et al., 2016); In silico analysis, which includes protein predictors and evolutionary conservation, supports a deleterious effect; Has not been previously published as pathogenic or benign to our knowledge